The following is an entry in ClinVar:

ClinVar aggregate classification (germline): Benign/Likely benign. Review status: criteria provided, multiple submitters, no conflicts (2 of 4 stars). 4 submissions from 4 submitters: Benign (2); Likely benign (2). Last evaluated 2026-03-01.

Conditions:
Desbuquois dysplasia 1 (DBQD1). Also called: MICROMELIC DWARFISM WITH VERTEBRAL AND METAPHYSEAL ABNORMALITIES AND ADVANCED CARPOTARSAL OSSIFICATION; DESBUQUOIS DYSPLASIA 1, KIM VARIANT. Identifiers: Orphanet 1425, MedGen C4012146, MONDO:0009629, OMIM 251450.

Allele frequency attached by ClinVar (database versions not stated): TOPMed 0.00016; gnomAD exomes 0.00021 and 0.00027; gnomAD 0.00023 and 0.00024; ExAC 0.00031; ESP Exome Variant Server 0.00046.
gnomAD v4.1: 334 of 1,613,916 alleles (0.021%); highest among the groups gnomAD compares: Non-Finnish European, 0.026%; 1 homozygote.

Submissions (4):

CeGaT Center for Human Genetics Tuebingen
Classification: Likely benign. Last evaluated: 2026-03-01. Review status: criteria provided, single submitter. Criteria: CeGaT Center For Human Genetics Tuebingen Variant Classification Criteria Version 2. Collection method: clinical testing. Allele origin: germline. Affected: yes. Observed: 3 variant alleles.
Comment: XYLT1: BP4, BP7

Labcorp Genetics (formerly Invitae), Labcorp
Classification: Benign for Desbuquois dysplasia 1. Last evaluated: 2025-11-03. Review status: criteria provided, single submitter. Criteria: Invitae Variant Classification Sherloc (09022015). Collection method: clinical testing. Allele origin: germline.

Laboratory of Genetics, Children's Clinical University Hospital Latvia
Classification: Benign. Last evaluated: 2025-02-16. Review status: criteria provided, single submitter. Criteria: ACMG Guidelines, 2015. Collection method: clinical testing. Allele origin: germline. Affected: yes.

Blueprint Genetics
Classification: Likely benign. Last evaluated: 2024-11-08. Review status: criteria provided, single submitter. Criteria: ACMG Guidelines, 2015. Collection method: clinical testing. Allele origin: germline.

NM_022166.4(XYLT1):c.2358T>C (p.Asp786=)

Gene: XYLT1 (xylosyltransferase 1; minus strand). Cytogenetic location: 16p12.3.
Variant type: single nucleotide variant.
Coding change: c.2358T>C on transcript NM_022166.4 (MANE Select); coding-DNA position 2358, T replaced by C.
Protein change: p.Asp786=; no amino-acid change (aspartic acid 786 retained).
Molecular consequence: synonymous variant.
Genome position (GRCh38, 1-based): chr16:17,117,845, A>G on the plus strand (T>C on the coding strand, the complement: XYLT1 is on the minus strand). VCF-style: chr16-17117845-A-G. GRCh37 (hg19) VCF-style: chr16-17211702-A-G.
Identifiers: ClinVar variation 1655761 (VCV001655761.33), dbSNP rs145615486, ClinGen allele CA7927591.